The following is an entry in ClinVar:

NM_006059.4(LAMC3):c.4422G>A (p.Ser1474=)

Gene: LAMC3 (laminin subunit gamma 3; plus strand). Cytogenetic location: 9q34.12.
Variant type: single nucleotide variant.
Coding change: c.4422G>A on transcript NM_006059.4 (MANE Select); coding-DNA position 4422, G replaced by A.
Protein change: p.Ser1474=; no amino-acid change (serine 1474 retained).
Molecular consequence: synonymous variant.
Genome position (GRCh38, 1-based): chr9:131,087,762, G>A. VCF-style: chr9-131087762-G-A. GRCh37 (hg19) VCF-style: chr9-133963149-G-A.
Other names: c.4422G>A (NM_006059.3).
Identifiers: ClinVar variation 1564879 (VCV001564879.10), dbSNP rs188088047, ClinGen allele CA5288176.

ClinVar aggregate classification (germline): Likely benign. Review status: criteria provided, single submitter (1 of 4 stars). 2 submissions from 2 submitters: Likely benign (1). 1 of the submissions does not count toward it. Last evaluated 2025-06-22.

Conditions:
LAMC3-related disorder. Also called: LAMC3-related condition.

Allele frequency attached by ClinVar (database versions not stated): ExAC 0.00007; TOPMed 0.00007; gnomAD 0.00008 and 0.00009; gnomAD exomes 0.00010; 1000 Genomes Project 0.00060; 1000 Genomes Project 30x 0.00078.
gnomAD v4.1: 162 of 1,614,158 alleles (0.01%); highest among the groups gnomAD compares: East Asian, 0.067%; no homozygotes.

Submissions (2):

Labcorp Genetics (formerly Invitae), Labcorp
Classification: Likely benign. Last evaluated: 2025-06-22. Review status: criteria provided, single submitter. Criteria: Invitae Variant Classification Sherloc (09022015). Collection method: clinical testing. Allele origin: germline.

PreventionGenetics, part of Exact Sciences
Classification: Likely benign for LAMC3-related condition. Last evaluated: 2019-04-02. Review status: no assertion criteria provided. Collection method: clinical testing. Allele origin: germline. Not counted in ClinVar's aggregate classification.
Comment: This variant is classified as likely benign based on ACMG/AMP sequence variant interpretation guidelines (Richards et al. 2015 PMID: 25741868, with internal and published modifications).